The following is an entry in ClinVar:

ClinVar aggregate classification (germline): Pathogenic (1 of 4 stars; one submission).

Conditions:
Rubinstein-Taybi syndrome due to CREBBP mutations (RSTS1). Also called: RUBINSTEIN SYNDROME; RUBINSTEIN-TAYBI SYNDROME 1, INCOMPLETE; Rubinstein-Taybi syndrome 1; CREBBP-Related Rubinstein-Taybi Syndrome; BROAD THUMBS AND GREAT TOES, CHARACTERISTIC FACIES, AND IMPAIRED INTELLECTUAL DEVELOPMENT; BROAD THUMB-HALLUX SYNDROME. Identifiers: Orphanet 353277, Orphanet 783, MedGen C4551859, MONDO:0008393, OMIM 180849.

Submission:

Baylor Genetics
Classification: Pathogenic for Rubinstein-Taybi syndrome due to CREBBP mutations. Last evaluated: 2019-01-22. Review status: criteria provided, single submitter. Criteria: ACMG Guidelines, 2015. Collection method: clinical testing. Allele origin: de novo. Affected: yes.
Comment: This variant was determined to be pathogenic according to ACMG Guidelines, 2015 [PMID:25741868].

NM_004380.3(CREBBP):c.47_48delinsT (p.Lys16fs)

Genes: CREBBP (CREB binding lysine acetyltransferase; minus strand), LOC130058357 (ATAC-STARR-seq lymphoblastoid silent region 7141; plus strand). Cytogenetic location: 16p13.3.
Variant type: Indel.
Coding change: c.47_48delinsT on transcript NM_004380.3 (MANE Select); coding-DNA positions 47 to 48, AA replaced by T.
Protein change: p.Lys16fs; shifts the reading frame from lysine 16.
Molecular consequence: frameshift variant.
Genome position (GRCh38, 1-based): chr16:3,879,869-3,879,870, TT replaced by A on the plus strand (AA replaced by T on the coding strand, the reverse complement: CREBBP is on the minus strand). VCF-style: chr16-3879869-TT-A. GRCh37 (hg19) VCF-style: chr16-3929870-TT-A.
Other names: c.47_48delinsT, p.Lys16fs (NM_001079846.1); short protein forms K16fs.
Identifiers: ClinVar variation 1029838 (VCV001029838.1), dbSNP rs2055490250, ClinGen allele CA2203012427.